The following is an entry in ClinVar:

ClinVar aggregate classification (germline): Likely pathogenic (1 of 4 stars; one submission).

Submission:

Mayo Clinic Laboratories, Mayo Clinic
Classification: Likely pathogenic. Last evaluated: 2020-06-24. Review status: criteria provided, single submitter. Criteria: ACMG Guidelines, 2015. Collection method: clinical testing. Allele origin: germline. Observed: 1 variant allele.
Comment: PVS1, PM2

NM_000186.4(CFH):c.2057-1G>A

Gene: CFH (complement factor H; plus strand). Cytogenetic location: 1q31.3.
Variant type: single nucleotide variant.
Coding change: c.2057-1G>A on transcript NM_000186.4 (MANE Select); the canonical splice acceptor site of the intron before coding-DNA position 2057, G replaced by A.
Molecular consequence: splice acceptor variant.
Genome position (GRCh38, 1-based): chr1:196,726,760, G>A. VCF-style: chr1-196726760-G-A. GRCh37 (hg19) VCF-style: chr1-196695890-G-A.
Identifiers: ClinVar variation 1163678 (VCV001163678.5), dbSNP rs1050115425, ClinGen allele CA35860929.